The following is an entry in ClinVar:

ClinVar aggregate classification (germline): Conflicting classifications of pathogenicity. Review status: criteria provided, conflicting classifications (1 of 4 stars). 12 submissions from 12 submitters: Uncertain significance (9); Likely benign (3). Last evaluated 2026-01-05.

Conditions:
Hypertrophic cardiomyopathy 26. Also called: Cardiomyopathy, familial hypertrophic, 26. Identifiers: Orphanet 75249, MedGen C4310749, MONDO:0014883, OMIM 617047.
Myofibrillar myopathy 5. Also called: Filaminopathy (type); FILAMINOPATHY, AUTOSOMAL DOMINANT. Identifiers: Orphanet 171445, MedGen C1836050, MONDO:0012289, OMIM 609524.
Distal myopathy with posterior leg and anterior hand involvement. Also called: WILLIAMS DISTAL MYOPATHY. Identifiers: Orphanet 63273, MedGen C3279722, MONDO:0013550, OMIM 614065.
Cardiovascular phenotype. Identifiers: MedGen CN230736.

Allele frequency attached by ClinVar (database versions not stated): gnomAD exomes 0.00012; TOPMed 0.00012; ExAC 0.00013; gnomAD 0.00019 and 0.00021; ESP Exome Variant Server 0.00032.
gnomAD v4.1: 272 of 1,612,800 alleles (0.017%); highest among the groups gnomAD compares: Non-Finnish European, 0.021%; no homozygotes.

Submissions (12):

Labcorp Genetics (formerly Invitae), Labcorp
Classification: Likely benign for Distal myopathy with posterior leg and anterior hand involvement; Myofibrillar myopathy 5; Hypertrophic cardiomyopathy 26. Last evaluated: 2026-01-05. Review status: criteria provided, single submitter. Criteria: Invitae Variant Classification Sherloc (09022015). Collection method: clinical testing. Allele origin: germline.

ARUP Laboratories, Molecular Genetics and Genomics, ARUP Laboratories
Classification: Uncertain significance. Last evaluated: 2025-05-05. Review status: criteria provided, single submitter. Criteria: ARUP Molecular Germline Variant Investigation Process 2024. Collection method: clinical testing. Allele origin: germline.
Comment: The FLNC c.2635C>T; p.Arg879Cys variant (rs374983276, ClinVar Variation ID: 472016) is reported in the literature in individuals affected with hypertrophic cardiomyopathy (Chumakova 2023, Koutsofti 2024) or dilated cardiomyopathy (Smith 2022). In one individual, the variant was found in the compound heterozygous state with an MYPN variant, however neither variant co-segregated with disease within the probandâ€™s family (Koutsofti 2024). This variant is found in the general population with an overall allele frequency of 0.014% (39/277,130 alleles) in the Genome Aggregation Database (v2.1.1). Computational analyses predict that this variant is deleterious (REVEL: 0.783). Due to limited and conflicting information, the clinical significance of this variant is uncertain at this time. References: Chumakova OS et al. Hypertrophic Cardiomyopathy in Underrepresented Populations: Clinical and Genetic Landscape Based on a Russian Single-Center Cohort Study. Genes (Basel). 2023 Nov 4;14(11):2042. PMID: 38002985. Koutsofti C et al. Massive Parallel DNA Sequencing of Patients with Inherited Cardiomyopathies in Cyprus and Suggestion of Digenic or Oligogenic Inheritance. Genes (Basel). 2024 Feb 28;15(3):319. PMID: 38540378. Smith E et al. Establishment of a Dedicated Inherited Cardiomyopathy Clinic: From Challenges to Improved Patients' Outcome. J Am Heart Assoc. 2022 May 3;11(9):e024501. PMID: 35470680.

GeneDx
Classification: Uncertain significance. Last evaluated: 2025-04-17. Review status: criteria provided, single submitter. Criteria: GeneDx Variant Classification Process June 2021. Collection method: clinical testing. Allele origin: germline. Affected: yes.
Comment: In silico analysis supports that this missense variant has a deleterious effect on protein structure/function; Has not been previously published as pathogenic or benign in association with an FLNC-related disorder to our knowledge; This variant is associated with the following publications: (PMID: 30681346)

Ambry Genetics
Classification: Uncertain significance for Cardiovascular phenotype. Last evaluated: 2025-04-15. Review status: criteria provided, single submitter. Criteria: Ambry Variant Classification Scheme 2023. Collection method: clinical testing. Allele origin: germline.
Comment: The p.R879C variant (also known as c.2635C>T), located in coding exon 17 of the FLNC gene, results from a C to T substitution at nucleotide position 2635. The arginine at codon 879 is replaced by cysteine, an amino acid with highly dissimilar properties. This variant was reported in individual(s) in hypertrophic cardiomyopathy and dilated cardiomyopathy cohorts (Smith E et al. J Am Heart Assoc, 2022 May;11:e024501; Chumakova OS et al. Genes (Basel), 2023 Nov;14:[ePub ahead of print]; Bonaventura J et al. J Am Heart Assoc, 2024 May;13:e033565Perret C et al. Clin Genet, 2024 Feb;105:185-189; Koutsofti C et al. Genes (Basel), 2024 Feb;15:[ePub ahead of print]). This amino acid position is highly conserved in available vertebrate species. In addition, the in silico prediction for this alteration is inconclusive. Based on the available evidence, the clinical significance of this variant remains unclear.

CeGaT Center for Human Genetics Tuebingen
Classification: Uncertain significance. Last evaluated: 2024-11-01. Review status: criteria provided, single submitter. Criteria: CeGaT Center For Human Genetics Tuebingen Variant Classification Criteria Version 2. Collection method: clinical testing. Allele origin: germline. Affected: yes. Observed: 2 variant alleles.

Blueprint Genetics
Classification: Likely benign. Last evaluated: 2024-07-25. Review status: criteria provided, single submitter. Criteria: ACMG Guidelines, 2015. Collection method: clinical testing. Allele origin: germline.

Women's Health and Genetics/Laboratory Corporation of America, LabCorp
Classification: Likely benign. Last evaluated: 2024-03-05. Review status: criteria provided, single submitter. Criteria: LabCorp Variant Classification Summary - May 2015. Collection method: clinical testing. Allele origin: germline.
Comment: Variant summary: FLNC c.2635C>T (p.Arg879Cys) results in a non-conservative amino acid change in the encoded protein sequence. Five of five in-silico tools predict a damaging effect of the variant on protein function. The variant allele was found at a frequency of 0.00012 in 245752 control chromosomes. The observed variant frequency is approximately 16 fold of the estimated maximal expected allele frequency for a pathogenic variant in FLNC causing Dilated Cardiomyopathy phenotype (7.8e-06), strongly suggesting that the variant is benign. To our knowledge, no occurrence of c.2635C>T in individuals affected with Dilated Cardiomyopathy and no experimental evidence demonstrating its impact on protein function have been reported. ClinVar contains an entry for this variant (Variation ID: 472016). Based on the evidence outlined above, the variant was classified as likely benign.

Institute of Immunology and Genetics Kaiserslautern
Classification: Uncertain significance for Hypertrophic cardiomyopathy 26. Last evaluated: 2024-02-02. Review status: criteria provided, single submitter. Criteria: ACMG Guidelines, 2015. Collection method: clinical testing. Allele origin: germline. Affected: yes.
Comment: ACMG Criteria : PM2_P,PP3; Variant was found in heterozygous state

Revvity Omics, Revvity
Classification: Uncertain significance. Last evaluated: 2023-04-30. Review status: criteria provided, single submitter. Criteria: ACMG Guidelines, 2015. Collection method: clinical testing. Allele origin: germline.

Department of Pathology and Laboratory Medicine, Sinai Health System
Classification: Uncertain significance for Hypertrophic cardiomyopathy 26; Myofibrillar myopathy 5; Distal myopathy with posterior leg and anterior hand involvement. Last evaluated: 2022-12-05. Review status: criteria provided, single submitter. Criteria: ACMG Guidelines, 2015. Collection method: research. Allele origin: germline.

Fulgent Genetics
Classification: Uncertain significance for Myofibrillar myopathy 5; Distal myopathy with posterior leg and anterior hand involvement; Hypertrophic cardiomyopathy 26. Last evaluated: 2021-10-20. Review status: criteria provided, single submitter. Criteria: ACMG Guidelines, 2015. Collection method: clinical testing. Allele origin: unknown.

Mayo Clinic Laboratories, Mayo Clinic
Classification: Uncertain significance. Last evaluated: 2019-10-20. Review status: criteria provided, single submitter. Criteria: ACMG Guidelines, 2015. Collection method: clinical testing. Allele origin: germline. Observed: 1 variant allele.

Literature cited by the submitters: PubMed 28866788 (cited by Ambry Genetics); PubMed 35470680 (cited by Ambry Genetics); PubMed 37904629 (cited by Ambry Genetics); PubMed 38002985 (cited by Ambry Genetics); PubMed 38540378 (cited by Ambry Genetics); PubMed 38757491 (cited by Ambry Genetics).

NM_001458.5(FLNC):c.2635C>T (p.Arg879Cys)

Gene: FLNC (filamin C; plus strand). Cytogenetic location: 7q32.1.
Variant type: single nucleotide variant.
Coding change: c.2635C>T on transcript NM_001458.5 (MANE Select); coding-DNA position 2635, C replaced by T.
Protein change: p.Arg879Cys; replaces arginine 879 with cysteine.
Molecular consequence: missense variant.
Genome position (GRCh38, 1-based): chr7:128,843,313, C>T. VCF-style: chr7-128843313-C-T. GRCh37 (hg19) VCF-style: chr7-128483367-C-T.
Other names: c.2635C>T, p.Arg879Cys (NM_001127487.2); short protein forms R879C.
Identifiers: ClinVar variation 472016 (VCV000472016.42), dbSNP rs374983276, ClinGen allele CA4474794.